The following is an entry in ClinVar:

ClinVar aggregate classification (germline): Likely pathogenic (1 of 4 stars; one submission).

Conditions:
Emery-Dreifuss muscular dystrophy 4, autosomal dominant (EDMD4). Also called: EMERY-DREIFUSS MUSCULAR DYSTROPHY 4 WITH VARIABLE FEATURES. Identifiers: Orphanet 261, MedGen C2751807, MONDO:0013071, OMIM 612998.
Autosomal recessive ataxia, Beauce type. Also called: Spinocerebellar ataxia, autosomal recessive 8; ATAXIA, RECESSIVE, OF BEAUCE; SYNE1 Deficiency; SYNE1-Related Autosomal Recessive Cerebellar Ataxia. Identifiers: Orphanet 88644, MedGen C1853116, MONDO:0012549, OMIM 610743.

Submission:

Labcorp Genetics (formerly Invitae), Labcorp
Classification: Likely pathogenic for Emery-Dreifuss muscular dystrophy 4, autosomal dominant; Autosomal recessive ataxia, Beauce type. Last evaluated: 2022-03-18. Review status: criteria provided, single submitter. Criteria: Invitae Variant Classification Sherloc (09022015). Collection method: clinical testing. Allele origin: germline.
Comment: This variant has not been reported in the literature in individuals affected with SYNE1-related conditions. This variant results in a copy number gain of the genomic region encompassing exon(s) 82-137 of the SYNE1 gene. While the exact position of this variant cannot be determined from the data, sub-genic copy number gains are generally in tandem (PMID: 25640679). This variant is predicted to be out-of-frame, and may result in an absent or disrupted protein product. Loss-of-function variants in SYNE1 are known to be pathogenic (PMID: 19542096, 24319099, 27086870). In summary, the currently available evidence indicates that the variant is pathogenic, but additional data are needed to prove that conclusively. Therefore, this variant has been classified as Likely Pathogenic.

Literature cited by the submitters: PubMed 25640679; PubMed 19542096; PubMed 24319099; PubMed 27086870.

NC_000006.11:g.(?_152466612)_(152643033_?)dup

Gene: SYNE1 (spectrin repeat containing nuclear envelope protein 1; minus strand). Cytogenetic location: 6q25.1-25.2.
Variant type: Duplication.
Identifiers: ClinVar variation 1067966 (VCV001067966.6).